The following is an entry in ClinVar:

NM_000059.4(BRCA2):c.4304A>C (p.Asn1435Thr)

Gene: BRCA2 (BRCA2 DNA repair associated; plus strand). Cytogenetic location: 13q13.1.
Variant type: single nucleotide variant.
Coding change: c.4304A>C on transcript NM_000059.4 (MANE Select); coding-DNA position 4304, A replaced by C.
Protein change: p.Asn1435Thr; replaces asparagine 1435 with threonine.
Molecular consequence: missense variant. On other transcripts: non-coding transcript variant (1), intron variant (2).
Genome position (GRCh38, 1-based): chr13:32,338,659, A>C. VCF-style: chr13-32338659-A-C. GRCh37 (hg19) VCF-style: chr13-32912796-A-C.
Other names: c.4304A>C, p.Asn1435Thr (NM_001406719.1, NM_001406720.1, NM_001432077.1); c.1909+5272A>C (NM_001406721.1); c.425-5899A>C (NM_001406722.1); short protein forms N1435T.
Identifiers: ClinVar variation 3636471 (VCV003636471.2).

ClinVar aggregate classification (germline): Uncertain significance (1 of 4 stars; one submission).

Conditions:
Hereditary breast ovarian cancer syndrome. Also called: Hereditary breast and ovarian cancer syndrome; Hereditary breast and ovarian cancer syndrome (HBOC); BRCA1- and BRCA2-Associated Hereditary Breast and Ovarian Cancer; Hereditary breast and ovarian cancer; Breast and ovarian cancer; Hereditary breast and/or ovarian cancer syndrome. Identifiers: Orphanet 145, MedGen C0677776, MeSH D061325, MONDO:0003582. Disease mechanism: loss of function.

Submission:

Labcorp Genetics (formerly Invitae), Labcorp
Classification: Uncertain significance for Hereditary breast ovarian cancer syndrome. Last evaluated: 2024-07-11. Review status: criteria provided, single submitter. Criteria: Invitae Variant Classification Sherloc (09022015). Collection method: clinical testing. Allele origin: germline.
Comment: This sequence change replaces asparagine, which is neutral and polar, with threonine, which is neutral and polar, at codon 1435 of the BRCA2 protein (p.Asn1435Thr). This variant is not present in population databases (gnomAD no frequency). This variant has not been reported in the literature in individuals affected with BRCA2-related conditions. Advanced modeling of protein sequence and biophysical properties (such as structural, functional, and spatial information, amino acid conservation, physicochemical variation, residue mobility, and thermodynamic stability) performed at Invitae indicates that this missense variant is not expected to disrupt BRCA2 protein function with a negative predictive value of 95%. In summary, the available evidence is currently insufficient to determine the role of this variant in disease. Therefore, it has been classified as a Variant of Uncertain Significance.